The following is an entry in ClinVar:

ClinVar aggregate classification (germline): Likely benign. Review status: reviewed by expert panel (3 of 4 stars). 5 submissions from 5 submitters: Likely benign (1). 4 of the submissions do not count toward it. Last evaluated 2017-06-29.

Conditions:
Hereditary cancer-predisposing syndrome. Also called: Tumor predisposition; Hereditary Cancer Syndrome; Neoplastic Syndromes, Hereditary; Hereditary neoplastic syndrome. Identifiers: Orphanet 140162, MedGen C0027672, MeSH D009386, MONDO:0015356.
Hereditary breast ovarian cancer syndrome. Also called: Hereditary breast and/or ovarian cancer syndrome; BRCA1- and BRCA2-Associated Hereditary Breast and Ovarian Cancer; Hereditary breast and ovarian cancer; Hereditary breast and ovarian cancer syndrome (HBOC); Breast and ovarian cancer; Hereditary breast and ovarian cancer syndrome. Identifiers: Orphanet 145, MedGen C0677776, MeSH D061325, MONDO:0003582. Disease mechanism: loss of function.
Breast-ovarian cancer, familial, susceptibility to, 2 (BROVCA2). Also called: BRCA2 Hereditary Breast and Ovarian Cancer. Identifiers: Orphanet 145, MedGen C2675520, MONDO:0012933, OMIM 612555. Disease mechanism: loss of function.

Allele frequency attached by ClinVar (database versions not stated): TOPMed below 0.00001; gnomAD 0.00001.
gnomAD v4.1: 1 of 1,613,576 alleles (0.000062%); highest among the groups gnomAD compares: Non-Finnish European, 0.000085%; no homozygotes.

Submissions (5):

Evidence-based Network for the Interpretation of Germline Mutant Alleles (ENIGMA)
Classification: Likely benign for Breast-ovarian cancer, familial, susceptibility to, 2. Last evaluated: 2017-06-29. Review status: reviewed by expert panel. Criteria: ENIGMA BRCA1/2 Classification Criteria (2017-06-29). Collection method: curation. Allele origin: germline.
Comment: Synonymous substitution variant, with low bioinformatic likelihood to result in a splicing aberration (Splicing prior probability 0.02).

Labcorp Genetics (formerly Invitae), Labcorp
Classification: Likely benign for Hereditary breast ovarian cancer syndrome. Last evaluated: 2025-11-25. Review status: criteria provided, single submitter. Criteria: Invitae Variant Classification Sherloc (09022015). Collection method: clinical testing. Allele origin: germline. Not counted in ClinVar's aggregate classification.

All of Us Research Program, National Institutes of Health
Classification: Likely benign for Breast-ovarian cancer, familial, susceptibility to, 2. Last evaluated: 2023-04-15. Review status: criteria provided, single submitter. Criteria: ACMG Guidelines, 2015. Collection method: clinical testing. Allele origin: germline. Inheritance: Autosomal dominant inheritance. Observed: 1 variant allele, 1 heterozygote. Not counted in ClinVar's aggregate classification.
Comment: This study involves interpretation of variants in research participants for the purpose of population health screening. Participant phenotype was not available at the time of variant classification. Additional details can be found in publication PMID: 35346344, PMCID: PMC8962531

Color Diagnostics, LLC DBA Color Health
Classification: Likely benign for Hereditary cancer-predisposing syndrome. Last evaluated: 2020-10-05. Review status: criteria provided, single submitter. Criteria: ACMG Guidelines, 2015. Collection method: clinical testing. Allele origin: germline. Not counted in ClinVar's aggregate classification.

Ambry Genetics
Classification: Likely benign for Hereditary cancer-predisposing syndrome. Last evaluated: 2016-11-29. Review status: criteria provided, single submitter. Criteria: Ambry Variant Classification Scheme 2023. Collection method: clinical testing. Allele origin: germline. Not counted in ClinVar's aggregate classification.

NM_000059.4(BRCA2):c.8772G>A (p.Glu2924=)

Gene: BRCA2 (BRCA2 DNA repair associated; plus strand). Cytogenetic location: 13q13.1.
Variant type: single nucleotide variant.
Coding change: c.8772G>A on transcript NM_000059.4 (MANE Select); coding-DNA position 8772, G replaced by A.
Protein change: p.Glu2924=; no amino-acid change (glutamic acid 2924 retained).
Molecular consequence: synonymous variant.
Genome position (GRCh38, 1-based): chr13:32,379,334, G>A. VCF-style: chr13-32379334-G-A. GRCh37 (hg19) VCF-style: chr13-32953471-G-A.
Identifiers: ClinVar variation 215625 (VCV000215625.18), dbSNP rs863224318, ClinGen allele CA339266.
Genomic context (GRCh38, chr13:32,379,334, plus strand): 5'-TTGTTCTGATTGCTTTTTATTCCAATATCTTAAATGGTCACAGGGTTATTTCAGTGAAGA[G>A]CAGTTAAGAGCCTTGAATAATCACAGGCAAATGTTGAATGATAAGAAACAAGCTCAGATC-3'
Protein context (NP_000050.3, residues 2914-2934): PAYLEGYFSE[Glu2924=]QLRALNNHRQ